The following is an entry in ClinVar:

ClinVar aggregate classification (germline): Uncertain significance (1 of 4 stars; one submission).

Allele frequency attached by ClinVar (database versions not stated): gnomAD exomes below 0.00001.
gnomAD v4.1: 1 of 1,612,854 alleles (0.000062%); highest among the groups gnomAD compares: Non-Finnish European, 0.000085%; no homozygotes.

Submission:

Ambry Genetics
Classification: Uncertain significance. Last evaluated: 2022-04-03. Review status: criteria provided, single submitter. Criteria: Ambry Variant Classification Scheme 2023. Collection method: clinical testing. Allele origin: germline.
Comment: The p.D256E variant (also known as c.768C>G), located in coding exon 9 of the RASA2 gene, results from a C to G substitution at nucleotide position 768. The aspartic acid at codon 256 is replaced by glutamic acid, an amino acid with highly similar properties. This amino acid position is conserved. In addition, this alteration is predicted to be tolerated by in silico analysis. Since supporting evidence is limited at this time, the clinical significance of this alteration remains unclear.

NM_006506.5(RASA2):c.768C>G (p.Asp256Glu)

Gene: RASA2 (RAS p21 protein activator 2; plus strand). Cytogenetic location: 3q23.
Variant type: single nucleotide variant.
Coding change: c.768C>G on transcript NM_006506.5 (MANE Select); coding-DNA position 768, C replaced by G.
Protein change: p.Asp256Glu; replaces aspartic acid 256 with glutamic acid.
Molecular consequence: missense variant.
Genome position (GRCh38, 1-based): chr3:141,559,900, C>G. VCF-style: chr3-141559900-C-G. GRCh37 (hg19) VCF-style: chr3-141278742-C-G.
Other names: c.768C>G, p.Asp256Glu (NM_001303245.3, NM_001303246.3); short protein forms D256E.
Identifiers: ClinVar variation 1760139 (VCV001760139.2), dbSNP rs2478660581, ClinGen allele CA354772987.
Genomic context (GRCh38, chr3:141,559,900, plus strand): 5'-GTGAACTCTCTTAAACATTGTTTGCAAAACATAAAGCCAGTTTTCAATTTTCAGGATCGA[C>G]TTGTGGAACAATGGAAACCTAGTCCAAGATGTTTTCCTAGGTGAGATTAAGGTTCCTGTG-3'
Protein context (NP_006497.2, residues 246-266): EDIEKLEIRI[Asp256Glu]LWNNGNLVQD